The following is an entry in ClinVar:

NM_015488.5(PNKD):c.835C>T (p.Leu279=)

Genes: PNKD (PNKD metallo-beta-lactamase domain containing; plus strand), CATIP-AS2 (CATIP antisense RNA 2; minus strand). Cytogenetic location: 2q35.
Variant type: single nucleotide variant.
Coding change: c.835C>T on transcript NM_015488.5 (MANE Select); coding-DNA position 835, C replaced by T.
Protein change: p.Leu279=; no amino-acid change (leucine 279 retained).
Molecular consequence: synonymous variant.
Genome position (GRCh38, 1-based): chr2:218,343,553, C>T. VCF-style: chr2-218343553-C-T. GRCh37 (hg19) VCF-style: chr2-219208276-C-T.
Other names: c.763C>T, p.Leu255= (NM_022572.5).
Identifiers: ClinVar variation 536503 (VCV000536503.15), dbSNP rs149643391, ClinGen allele CA2104117.

ClinVar aggregate classification (germline): Benign. Review status: criteria provided, multiple submitters, no conflicts (2 of 4 stars). 3 submissions from 3 submitters: Benign (2). 1 of the submissions does not count toward it. Last evaluated 2026-01-19.

Conditions:
Paroxysmal nonkinesigenic dyskinesia. Also called: Paroxysmal non-kinesigenic dyskinesia. Identifiers: Orphanet 98810, MedGen C1869117, MONDO:0700088.
PNKD-related disorder. Also called: PNKD-related condition.

Allele frequency attached by ClinVar (database versions not stated): gnomAD exomes 0.00006 and 0.00023; ExAC 0.00031; gnomAD 0.00079 and 0.00082; TOPMed 0.00079; ESP Exome Variant Server 0.00108; 1000 Genomes Project 0.00120; 1000 Genomes Project 30x 0.00125.
gnomAD v4.1: 209 of 1,613,570 alleles (0.013%); highest among the groups gnomAD compares: African/African-American, 0.24%; no homozygotes.

Submissions (3):

Labcorp Genetics (formerly Invitae), Labcorp
Classification: Benign for Paroxysmal nonkinesigenic dyskinesia. Last evaluated: 2026-01-19. Review status: criteria provided, single submitter. Criteria: Invitae Variant Classification Sherloc (09022015). Collection method: clinical testing. Allele origin: germline.

GeneDx
Classification: Benign. Last evaluated: 2021-10-17. Review status: criteria provided, single submitter. Criteria: GeneDx Variant Classification Process June 2021. Collection method: clinical testing. Allele origin: germline. Affected: yes.

PreventionGenetics, part of Exact Sciences
Classification: Likely benign for PNKD-related condition. Last evaluated: 2019-12-23. Review status: no assertion criteria provided. Collection method: clinical testing. Allele origin: germline. Not counted in ClinVar's aggregate classification.
Comment: This variant is classified as likely benign based on ACMG/AMP sequence variant interpretation guidelines (Richards et al. 2015 PMID: 25741868, with internal and published modifications).